The following is an entry in ClinVar:

ClinVar aggregate classification (germline): Uncertain significance (1 of 4 stars; one submission).

Conditions:
Hypertrophic cardiomyopathy. Also called: HYPERTROPHIC MYOCARDIOPATHY. Identifiers: Orphanet 217569, MedGen C0007194, MeSH D002312, MONDO:0005045, HP:0001639.

Submission:

Labcorp Genetics (formerly Invitae), Labcorp
Classification: Uncertain significance for Hypertrophic cardiomyopathy. Last evaluated: 2020-03-05. Review status: criteria provided, single submitter. Criteria: Invitae Variant Classification Sherloc (09022015). Collection method: clinical testing. Allele origin: germline.
Comment: This sequence change affects a donor splice site in intron 26 of the MYH7 gene. It is expected to disrupt RNA splicing and likely results in an absent or disrupted protein product. This variant is not present in population databases (ExAC no frequency). This variant has not been reported in the literature in individuals with MYH7-related conditions. Algorithms developed to predict the effect of sequence changes on RNA splicing suggest that this variant may disrupt the consensus splice site, but this prediction has not been confirmed by published transcriptional studies. The current clinical and genetic evidence is not sufficient to establish whether loss-of-function variants in MYH7 cause disease. In summary, the available evidence is currently insufficient to determine the role of this variant in disease. Therefore, it has been classified as a Variant of Uncertain Significance.

NM_000257.4(MYH7):c.3336+2T>C

Gene: MYH7 (myosin heavy chain 7; minus strand). Cytogenetic location: 14q11.2.
Variant type: single nucleotide variant.
Coding change: c.3336+2T>C on transcript NM_000257.4 (MANE Select); the canonical splice donor site of the intron after coding-DNA position 3336, T replaced by C.
Molecular consequence: splice donor variant.
Genome position (GRCh38, 1-based): chr14:23,420,956, A>G on the plus strand (T>C on the coding strand, the complement: MYH7 is on the minus strand). VCF-style: chr14-23420956-A-G. GRCh37 (hg19) VCF-style: chr14-23890165-A-G.
Other names: c.3336+2T>C (NM_001407004.1).
Identifiers: ClinVar variation 1037717 (VCV001037717.7), dbSNP rs112968484, ClinGen allele CA257816420.